The following is an entry in ClinVar:

NM_032888.4(COL27A1):c.4121T>C (p.Leu1374Pro)

Genes: COL27A1 (collagen type XXVII alpha 1 chain; plus strand), LOC126860736 (MED14-independent group 3 enhancer GRCh37_chr9:117050487-117051686; plus strand). Cytogenetic location: 9q32.
Variant type: single nucleotide variant.
Coding change: c.4121T>C on transcript NM_032888.4 (MANE Select); coding-DNA position 4121, T replaced by C.
Protein change: p.Leu1374Pro; replaces leucine 1374 with proline.
Molecular consequence: missense variant.
Genome position (GRCh38, 1-based): chr9:114,288,936, T>C. VCF-style: chr9-114288936-T-C. GRCh37 (hg19) VCF-style: chr9-117051216-T-C.
Other names: c.4121T>C (NM_032888.2); short protein forms L1374P.
Identifiers: ClinVar variation 1520449 (VCV001520449.5), dbSNP rs1027203347, ClinGen allele CA374599835.
Genomic context (GRCh38, chr9:114,288,936, plus strand): 5'-GGATGGGCCCCCCTCACCTGTCTCTCTTTGGCTTCCAGGGACAGGAGGGTGTGCAAGGCC[T>C]CCGTGGAAAGCCAGGCCAGCAGGGCCAACCCGTGAGTGGTGCTTCGTGTCCCATCCCTGC-3'
Protein context (NP_116277.2, residues 1364-1384): GYPGQEGVQG[Leu1374Pro]RGKPGQQGQP

ClinVar aggregate classification (germline): Uncertain significance. Review status: criteria provided, multiple submitters, no conflicts (2 of 4 stars). 3 submissions from 3 submitters: Uncertain significance (3). Last evaluated 2025-04-10.

Conditions:
Inborn genetic diseases. Identifiers: MedGen C0950123, MeSH D030342.

Submissions (3):

Ambry Genetics
Classification: Uncertain significance for Inborn genetic diseases. Last evaluated: 2025-04-10. Review status: criteria provided, single submitter. Criteria: Ambry Variant Classification Scheme 2023. Collection method: clinical testing. Allele origin: germline.

Labcorp Genetics (formerly Invitae), Labcorp
Classification: Uncertain significance. Last evaluated: 2022-08-22. Review status: criteria provided, single submitter. Criteria: Invitae Variant Classification Sherloc (09022015). Collection method: clinical testing. Allele origin: germline.
Comment: This sequence change replaces leucine, which is neutral and non-polar, with proline, which is neutral and non-polar, at codon 1374 of the COL27A1 protein (p.Leu1374Pro). This variant is not present in population databases (gnomAD no frequency). This variant has not been reported in the literature in individuals affected with COL27A1-related conditions. ClinVar contains an entry for this variant (Variation ID: 1520449). Advanced modeling of protein sequence and biophysical properties (such as structural, functional, and spatial information, amino acid conservation, physicochemical variation, residue mobility, and thermodynamic stability) performed at Invitae indicates that this missense variant is not expected to disrupt COL27A1 protein function. In summary, the available evidence is currently insufficient to determine the role of this variant in disease. Therefore, it has been classified as a Variant of Uncertain Significance.

Blueprint Genetics
Classification: Uncertain significance. Last evaluated: 2019-11-19. Review status: criteria provided, single submitter. Criteria: ACMG Guidelines, 2015. Collection method: clinical testing. Allele origin: germline.